The following is an entry in ClinVar:

ClinVar aggregate classification (germline): Uncertain significance. Review status: criteria provided, multiple submitters, no conflicts (2 of 4 stars). 2 submissions from 2 submitters: Uncertain significance (2). Last evaluated 2022-09-17.

Conditions:
Inborn genetic diseases. Identifiers: MedGen C0950123, MeSH D030342.
Neuropathy, hereditary sensory and autonomic, type 2A (HSAN2A). Also called: ACROOSTEOLYSIS, GIACCAI TYPE; ACROOSTEOLYSIS, NEUROGENIC; WNK1-Related HSAN2 (HSAN2A); HSAN IIA; MORVAN DISEASE; NEUROPATHY, CONGENITAL SENSORY. Identifiers: Orphanet 970, MedGen C2752089, MONDO:0024309, OMIM 201300.
Pseudohypoaldosteronism type 2C (PHA2C). Also called: Pseudohypoaldosteronism Type IIC. Identifiers: Orphanet 757, Orphanet 88940, MedGen C1840391, MONDO:0013778, OMIM 614492.

Allele frequency attached by ClinVar (database versions not stated): gnomAD below 0.00001 and 0.00001; gnomAD exomes below 0.00001; ExAC 0.00001.
gnomAD v4.1: 6 of 1,609,544 alleles (0.00037%); highest among the groups gnomAD compares: Middle Eastern, 0.017%; no homozygotes.

Submissions (2):

Ambry Genetics
Classification: Uncertain significance for Inborn genetic diseases. Last evaluated: 2022-09-17. Review status: criteria provided, single submitter. Criteria: Ambry Variant Classification Scheme 2023. Collection method: clinical testing. Allele origin: germline.
Comment: The p.D1137Y variant (also known as c.3409G>T), located in coding exon 10 of the WNK1 gene, results from a G to T substitution at nucleotide position 3409. The aspartic acid at codon 1137 is replaced by tyrosine, an amino acid with highly dissimilar properties. This amino acid position is highly conserved in available vertebrate species. In addition, the in silico prediction for this alteration is inconclusive. Since supporting evidence is limited at this time, the clinical significance of this alteration remains unclear.

Labcorp Genetics (formerly Invitae), Labcorp
Classification: Uncertain significance for Neuropathy, hereditary sensory and autonomic, type 2A; Pseudohypoaldosteronism type 2C. Last evaluated: 2022-06-08. Review status: criteria provided, single submitter. Criteria: Invitae Variant Classification Sherloc (09022015). Collection method: clinical testing. Allele origin: germline.
Comment: In summary, the available evidence is currently insufficient to determine the role of this variant in disease. Therefore, it has been classified as a Variant of Uncertain Significance. Algorithms developed to predict the effect of missense changes on protein structure and function are either unavailable or do not agree on the potential impact of this missense change (SIFT: "Deleterious"; PolyPhen-2: "Not Available"; Align-GVGD: "Class C0"). ClinVar contains an entry for this variant (Variation ID: 955974). This variant has not been reported in the literature in individuals affected with WNK1-related conditions. This variant is present in population databases (rs755541973, gnomAD 0.0009%). This sequence change replaces aspartic acid, which is acidic and polar, with tyrosine, which is neutral and polar, at codon 1137 of the WNK1 protein (p.Asp1137Tyr).

NM_213655.5(WNK1):c.3409G>T (p.Asp1137Tyr)

Gene: WNK1 (WNK lysine deficient protein kinase 1; plus strand). Cytogenetic location: 12p13.33.
Variant type: single nucleotide variant.
Coding change: c.3409G>T on transcript NM_213655.5 (MANE Plus Clinical); coding-DNA position 3409, G replaced by T.
Protein change: p.Asp1137Tyr; replaces aspartic acid 1137 with tyrosine.
Molecular consequence: missense variant. On other transcripts: intron variant (2).
Genome position (GRCh38, 1-based): chr12:868,880, G>T. VCF-style: chr12-868880-G-T. GRCh37 (hg19) VCF-style: chr12-978046-G-T.
Other names: c.3154G>T, p.Asp1052Tyr (NM_001184985.2); c.2140-2385G>T (NM_018979.4, NM_014823.3); short protein forms D1052Y, D1137Y.
Identifiers: ClinVar variation 955974 (VCV000955974.7), dbSNP rs755541973, ClinGen allele CA6382352.